The following is an entry in ClinVar:

ClinVar aggregate classification (germline): Uncertain significance. Review status: criteria provided, single submitter (1 of 4 stars). 2 submissions from 2 submitters: Uncertain significance (1). 1 of the submissions does not count toward it. Last evaluated 2016-11-04.

Conditions:
TTN-related disorder. Also called: TTN-related condition; TTN-related disease; TTN-related disorders.
Dilated cardiomyopathy 1G (CMD1G). Identifiers: Orphanet 154, MedGen C1858763, MONDO:0011400, OMIM 604145.
Autosomal recessive limb-girdle muscular dystrophy type 2J (LGMDR10). Also called: Limb-girdle muscular dystrophy, type 2J; MUSCULAR DYSTROPHY, LIMB-GIRDLE, AUTOSOMAL RECESSIVE 10. Identifiers: Orphanet 140922, MedGen C1837342, MONDO:0012127, OMIM 608807.

Allele frequency attached by ClinVar (database versions not stated): ExAC 0.00002; gnomAD 0.00003 and 0.00004; gnomAD exomes 0.00004.
gnomAD v4.1: 31 of 1,563,620 alleles (0.002%); highest among the groups gnomAD compares: East Asian, 0.029%; no homozygotes.

Submissions (2):

Labcorp Genetics (formerly Invitae), Labcorp
Classification: Uncertain significance for Dilated cardiomyopathy 1G; Autosomal recessive limb-girdle muscular dystrophy type 2J. Last evaluated: 2016-11-04. Review status: criteria provided, single submitter. Criteria: Invitae Variant Classification Sherloc (09022015). Collection method: clinical testing. Allele origin: germline.

PreventionGenetics, part of Exact Sciences
Classification: Uncertain significance for TTN-related condition. Last evaluated: 2024-08-12. Review status: no assertion criteria provided. Collection method: clinical testing. Allele origin: germline. Not counted in ClinVar's aggregate classification.
Comment: The TTN c.36680C>T variant is predicted to result in the amino acid substitution p.Pro12227Leu. To our knowledge, this variant has not been reported in the literature. This variant is reported in 0.045% of alleles in individuals of East Asian descent in gnomAD. At this time, the clinical significance of this variant is uncertain due to the absence of conclusive functional and genetic evidence.

NM_001267550.2(TTN):c.36680C>T (p.Pro12227Leu)

Gene: TTN (titin; minus strand). Cytogenetic location: 2q31.2.
Variant type: single nucleotide variant.
Coding change: c.36680C>T on transcript NM_001267550.2 (MANE Select); coding-DNA position 36680, C replaced by T.
Protein change: p.Pro12227Leu; replaces proline 12227 with leucine.
Molecular consequence: missense variant. On other transcripts: intron variant (5).
Genome position (GRCh38, 1-based): chr2:178,663,286, G>A on the plus strand (C>T on the coding strand, the complement: TTN is on the minus strand). VCF-style: chr2-178663286-G-A. GRCh37 (hg19) VCF-style: chr2-179528013-G-A.
Other names: c.13283-20969C>T (NM_003319.4); c.13859-20969C>T (NM_133437.4); c.13658-20969C>T (NM_133432.3); c.31484-231C>T (NM_133378.4); c.34265-231C>T (NM_001256850.1); short protein forms P12227L.
Identifiers: ClinVar variation 404754 (VCV000404754.4), dbSNP rs767455362, ClinGen allele CA1997371.